The following is an entry in ClinVar:

NM_021098.3(CACNA1H):c.17G>A (p.Arg6Gln)

Gene: CACNA1H (calcium voltage-gated channel subunit alpha1 H; plus strand). Cytogenetic location: 16p13.3.
Variant type: single nucleotide variant.
Coding change: c.17G>A on transcript NM_021098.3 (MANE Select); coding-DNA position 17, G replaced by A.
Protein change: p.Arg6Gln; replaces arginine 6 with glutamine.
Molecular consequence: missense variant.
Genome position (GRCh38, 1-based): chr16:1,153,754, G>A. VCF-style: chr16-1153754-G-A. GRCh37 (hg19) VCF-style: chr16-1203754-G-A.
Other names: c.17G>A, p.Arg6Gln (NM_001005407.2); short protein forms R6Q.
Identifiers: ClinVar variation 1956954 (VCV001956954.5), dbSNP rs1184862557, ClinGen allele CA394145259.

ClinVar aggregate classification (germline): Uncertain significance (1 of 4 stars; one submission).

Conditions:
Idiopathic generalized epilepsy. Also called: EIG; Generalised epilepsy. Identifiers: MedGen C0270850, MONDO:0005579, OMIM 600669.
Hyperaldosteronism, familial, type IV (HALD4). Also called: FH IV; ALDOSTERONISM, PRIMARY, AND HYPERTENSION. Identifiers: Orphanet 642671, MedGen C4310756, MONDO:0014875, OMIM 617027.

gnomAD v4.1: 3 of 1,213,052 alleles (0.00025%); highest among the groups gnomAD compares: African/African-American, 0.0016%; no homozygotes.

Submission:

Labcorp Genetics (formerly Invitae), Labcorp
Classification: Uncertain significance for Idiopathic generalized epilepsy; Hyperaldosteronism, familial, type IV. Last evaluated: 2022-08-05. Review status: criteria provided, single submitter. Criteria: Invitae Variant Classification Sherloc (09022015). Collection method: clinical testing. Allele origin: germline.
Comment: This sequence change replaces arginine, which is basic and polar, with glutamine, which is neutral and polar, at codon 6 of the CACNA1H protein (p.Arg6Gln). This variant is not present in population databases (gnomAD no frequency). This variant has not been reported in the literature in individuals affected with CACNA1H-related conditions. Advanced modeling of protein sequence and biophysical properties (such as structural, functional, and spatial information, amino acid conservation, physicochemical variation, residue mobility, and thermodynamic stability) performed at Invitae indicates that this missense variant is not expected to disrupt CACNA1H protein function. In summary, the available evidence is currently insufficient to determine the role of this variant in disease. Therefore, it has been classified as a Variant of Uncertain Significance.